The following is an entry in ClinVar:

NM_001089.3(ABCA3):c.3370G>T (p.Ala1124Ser)

Gene: ABCA3 (ATP binding cassette subfamily A member 3; minus strand). Cytogenetic location: 16p13.3.
Variant type: single nucleotide variant.
Coding change: c.3370G>T on transcript NM_001089.3 (MANE Select); coding-DNA position 3370, G replaced by T.
Protein change: p.Ala1124Ser; replaces alanine 1124 with serine.
Molecular consequence: missense variant.
Genome position (GRCh38, 1-based): chr16:2,285,555, C>A on the plus strand (G>T on the coding strand, the complement: ABCA3 is on the minus strand). VCF-style: chr16-2285555-C-A. GRCh37 (hg19) VCF-style: chr16-2335556-C-A.
Other names: short protein forms A1124S.
Identifiers: ClinVar variation 4780846 (VCV004780846.1).

ClinVar aggregate classification (germline): Uncertain significance (1 of 4 stars; one submission).

Submission:

Labcorp Genetics (formerly Invitae), Labcorp
Classification: Uncertain significance. Last evaluated: 2025-07-20. Review status: criteria provided, single submitter. Criteria: Invitae Variant Classification Sherloc (09022015). Collection method: clinical testing. Allele origin: germline.
Comment: This sequence change replaces alanine, which is neutral and non-polar, with serine, which is neutral and polar, at codon 1124 of the ABCA3 protein (p.Ala1124Ser). This variant is not present in population databases (gnomAD no frequency). This variant has not been reported in the literature in individuals affected with ABCA3-related conditions. Invitae Evidence Modeling of protein sequence and biophysical properties (such as structural, functional, and spatial information, amino acid conservation, physicochemical variation, residue mobility, and thermodynamic stability) indicates that this missense variant is not expected to disrupt ABCA3 protein function with a negative predictive value of 80%. In summary, the available evidence is currently insufficient to determine the role of this variant in disease. Therefore, it has been classified as a Variant of Uncertain Significance.